The following is an entry in ClinVar:

NM_001355436.2(SPTB):c.4894_4906dup (p.Tyr1636fs)

Gene: SPTB (spectrin beta, erythrocytic; minus strand). Cytogenetic location: 14q23.3.
Variant type: Duplication.
Coding change: c.4894_4906dup on transcript NM_001355436.2 (MANE Select); coding-DNA positions 4894 to 4906, 13 bases duplicated (GCGGTGGAGGACT).
Protein change: p.Tyr1636fs; shifts the reading frame from tyrosine 1636.
Molecular consequence: frameshift variant.
Genome position (GRCh38, 1-based): chr14:64,774,464-64,774,476, AGTCCTCCACCGC duplicated on the plus strand (GCGGTGGAGGACT on the coding strand, the reverse complement: SPTB is on the minus strand); duplicating any 13 consecutive bases within chr14:64,774,464-64,774,477 gives the same sequence; the c. name uses the placement nearest the transcript's 3' end. VCF-style (leftmost placement, unchanged base first): chr14-64774463-T-TAGTCCTCCACCGC. GRCh37 (hg19) VCF-style: chr14-65241181-T-TAGTCCTCCACCGC.
Other names: p.Tyr1636Cysfs*26; c.4894_4906dup, p.Tyr1636fs (NM_001024858.4, NM_001355437.2); short protein forms Y1636fs.
Identifiers: ClinVar variation 2683463 (VCV002683463.1), dbSNP rs2503065866, ClinGen allele CA2697553953.

ClinVar aggregate classification (germline): Likely pathogenic (1 of 4 stars; one submission).

Submission:

Mayo Clinic Laboratories, Mayo Clinic
Classification: Likely pathogenic. Last evaluated: 2022-07-08. Review status: criteria provided, single submitter. Criteria: ACMG Guidelines, 2015. Collection method: clinical testing. Allele origin: germline. Observed: 1 variant allele.
Comment: PM2, PVS1